The following is an entry in ClinVar:

ClinVar aggregate classification (germline): Uncertain significance (1 of 4 stars; one submission).

Conditions:
Adenylosuccinate lyase deficiency (ADSLD). Also called: ADSL DEFICIENCY. Identifiers: Orphanet 46, MedGen C0268126, MONDO:0007068, OMIM 103050.

Submission:

Labcorp Genetics (formerly Invitae), Labcorp
Classification: Uncertain significance for Adenylosuccinate lyase deficiency. Last evaluated: 2022-07-25. Review status: criteria provided, single submitter. Criteria: Invitae Variant Classification Sherloc (09022015). Collection method: clinical testing. Allele origin: germline.
Comment: In summary, the available evidence is currently insufficient to determine the role of this variant in disease. Therefore, it has been classified as a Variant of Uncertain Significance. Experimental studies and prediction algorithms are not available or were not evaluated, and the functional significance of this variant is currently unknown. This variant has not been reported in the literature in individuals affected with ADSL-related conditions. The frequency data for this variant in the population databases is considered unreliable, as metrics indicate insufficient coverage at this position in the gnomAD database. This variant occurs in a non-coding region of the ADSL gene. It does not change the encoded amino acid sequence of the ADSL protein.

NC_000022.11:g.40345557A>G

Gene: ADSL (adenylosuccinate lyase; plus strand). Cytogenetic location: 22q13.1.
Variant type: single nucleotide variant.
Genome position: GRCh38 VCF-style: chr22-40345557-A-G. GRCh37 (hg19) VCF-style: chr22-40741561-A-G.
Identifiers: ClinVar variation 1958964 (VCV001958964.5), dbSNP rs2518073624, ClinGen allele CA2580099788.
Genomic context (GRCh38, chr22:40,345,557, plus strand): 5'-TTACAGCTCCAGATGAACCCTTTCCTGTGTGATCACCCCACTGGCACTCCAGACTGAACA[A>G]CATAGCAAGACCCTGTCAAAAAAAAAAAAAAGGGGGGGGGCCACTTGAGTGTTTCTATTT-3'